The following is an entry in ClinVar:

NM_006052.2(VPS26C):c.178G>T (p.Glu60Ter)

Gene: VPS26C (VPS26 endosomal protein sorting factor C; minus strand). Cytogenetic location: 21q22.13.
Variant type: single nucleotide variant.
Coding change: c.178G>T on transcript NM_006052.2 (MANE Select); coding-DNA position 178, G replaced by T.
Protein change: p.Glu60Ter; replaces glutamic acid 60 with a stop codon.
Molecular consequence: nonsense. On other transcripts: intron variant (2).
Genome position (GRCh38, 1-based): chr21:37,240,519, C>A on the plus strand (G>T on the coding strand, the complement: VPS26C is on the minus strand). VCF-style: chr21-37240519-C-A. GRCh37 (hg19) VCF-style: chr21-38612820-C-A.
Other names: E60*; c.178G>T, p.Glu60Ter (NM_001331022.1); c.58-8068G>T (NM_001331018.1); c.58-1910G>T (NM_001331021.1).
Identifiers: ClinVar variation 974902 (VCV000974902.5), dbSNP rs2086074876, ClinGen allele CA409928396.
Genomic context (GRCh38, chr21:37,240,519, plus strand): 5'-TGAACTAAAAACTTGCAATCTAAGCATTCTTTCTTACCTTAACAGAATTATAAAAAGCTT[C>A]AAACACACCCACACTTTTGGCACTGAGCTGGAGGTTTACAGTTCCTTCCATGGTCAAAGA-3'

ClinVar aggregate classification (germline): Likely pathogenic. Review status: criteria provided, single submitter (1 of 4 stars). 2 submissions from 2 submitters: Likely pathogenic (1). 1 of the submissions does not count toward it. Last evaluated 2024-10-04.

Conditions:
Neurodevelopmental disorder. Identifiers: MedGen C1535926, MeSH D065886, MONDO:0700092.

Submissions (2):

Dubai Health Genomic Medicine Center, Dubai Health
Classification: Likely pathogenic for Neurodevelopmental disorder. Last evaluated: 2024-10-04. Review status: criteria provided, single submitter. Criteria: ACMG Guidelines, 2015. Collection method: research. Allele origin: germline. Affected: yes.
Comment: PVS1,PM2

OMIM
Classification: Uncertain significance for VARIANT OF UNKNOWN SIGNIFICANCE. Last evaluated: 2026-04-23. Review status: no assertion criteria provided. Collection method: literature only. Allele origin: germline. Not counted in ClinVar's aggregate classification.

Literature cited by the submitters: PubMed 31845315 (cited by OMIM); PubMed 40601774 (cited by OMIM).